The following is an entry in ClinVar:

ClinVar aggregate classification (germline): Uncertain significance (1 of 4 stars; one submission).

Allele frequency attached by ClinVar (database versions not stated): ExAC 0.00002; gnomAD exomes 0.00002; gnomAD 0.00003 and 0.00004; TOPMed 0.00003.
gnomAD v4.1: 54 of 1,613,554 alleles (0.0033%); highest among the groups gnomAD compares: Non-Finnish European, 0.0042%; no homozygotes.

Submission:

Labcorp Genetics (formerly Invitae), Labcorp
Classification: Uncertain significance. Last evaluated: 2025-02-19. Review status: criteria provided, single submitter. Criteria: Invitae Variant Classification Sherloc (09022015). Collection method: clinical testing. Allele origin: germline.
Comment: This sequence change replaces arginine, which is basic and polar, with histidine, which is basic and polar, at codon 530 of the DGKZ protein (p.Arg530His). This variant is present in population databases (rs780694855, gnomAD 0.008%). This variant has not been reported in the literature in individuals affected with DGKZ-related conditions. ClinVar contains an entry for this variant (Variation ID: 1362207). An algorithm developed to predict the effect of missense changes on protein structure and function (PolyPhen-2) suggests that this variant is likely to be disruptive. In summary, the available evidence is currently insufficient to determine the role of this variant in disease. Therefore, it has been classified as a Variant of Uncertain Significance.

NM_001199267.2(DGKZ):c.1022G>A (p.Arg341His)

Gene: DGKZ (diacylglycerol kinase zeta; plus strand). Cytogenetic location: 11p11.2.
Variant type: single nucleotide variant.
Coding change: c.1022G>A on transcript NM_001199267.2 (MANE Select); coding-DNA position 1022, G replaced by A.
Protein change: p.Arg341His; replaces arginine 341 with histidine.
Molecular consequence: missense variant.
Genome position (GRCh38, 1-based): chr11:46,372,631, G>A. VCF-style: chr11-46372631-G-A. GRCh37 (hg19) VCF-style: chr11-46394181-G-A.
Other names: c.1589G>A, p.Arg530His (NM_001105540.2); c.1025G>A, p.Arg342His (NM_001199266.2, NM_003646.4); c.956G>A, p.Arg319His (NM_001199268.2); c.1073G>A, p.Arg358His (NM_201532.3); c.1037G>A, p.Arg346His (NM_201533.3); short protein forms R530H, R319H, R346H, R358H, R341H, R342H.
Identifiers: ClinVar variation 1362207 (VCV001362207.8), dbSNP rs780694855, ClinGen allele CA5962721.